The following is an entry in ClinVar:

ClinVar aggregate classification (germline): Conflicting classifications of pathogenicity. Review status: criteria provided, conflicting classifications (1 of 4 stars). 10 submissions from 9 submitters: Uncertain significance (2); Benign (2); Likely benign (5). 1 of the submissions does not count toward it. Last evaluated 2026-03-02.

Conditions:
Colorectal cancer. Also called: Colorectal cancer, somatic; Malignant Colorectal Neoplasm. Identifiers: MedGen C0346629, MONDO:0005575, OMIM 114500.
Colorectal cancer, hereditary nonpolyposis, type 7. Identifiers: Orphanet 144, MedGen C1858380, MONDO:0013725, OMIM 614385.
Endometrial carcinoma. Also called: Endometrial carcinoma, somatic. Identifiers: MedGen C0476089, MONDO:0002447, OMIM 608089, HP:0012114.
MLH3-related disorder. Also called: MLH3-related condition.

Allele frequency attached by ClinVar (database versions not stated): ESP Exome Variant Server 0.00031; gnomAD 0.00034 and 0.00048; TOPMed 0.00037; gnomAD exomes 0.00050 and 0.00077; 1000 Genomes Project 30x 0.00078; 1000 Genomes Project 0.00080; ExAC 0.00080.
gnomAD v4.1: 835 of 1,613,594 alleles (0.052%); highest among the groups gnomAD compares: South Asian, 0.41%; 6 homozygotes.

Submissions (10):

Dasa
Classification: Benign. Last evaluated: 2026-03-02. Review status: criteria provided, single submitter. Criteria: DASA Assertion Criteria. Collection method: clinical testing. Allele origin: germline.
Comment: NM_001040108.2(MLH3):c.1637G>T (p.Arg546Ile) is interpreted as benign based on a combination of available evidence, which may include population frequency, observations in unaffected individuals, intact protein function, lack of segregation with disease, in silico models, amino acid conservation, lack of disease association in case-control studies, and/or inconsistency with the known disease mechanism or impacted region. Based on the available data, this variant is classified as benign.

Labcorp Genetics (formerly Invitae), Labcorp
Classification: Likely benign for Colorectal cancer, hereditary nonpolyposis, type 7. Last evaluated: 2026-01-23. Review status: criteria provided, single submitter. Criteria: Invitae Variant Classification Sherloc (09022015). Collection method: clinical testing. Allele origin: germline.

Center for Genomic Medicine, Rigshospitalet, Copenhagen University Hospital
Classification: Uncertain significance. Last evaluated: 2025-03-04. Review status: criteria provided, single submitter. Criteria: ACMG Guidelines, 2015. Collection method: clinical testing. Allele origin: germline.

Department of Pathology and Laboratory Medicine, Sinai Health System
Classification: Likely benign for Colorectal cancer; Endometrial carcinoma; Colorectal cancer, hereditary nonpolyposis, type 7. Last evaluated: 2025-02-19. Review status: criteria provided, single submitter. Criteria: ACMG Guidelines, 2015. Collection method: clinical testing. Allele origin: germline. Affected: yes.

KCCC/NGS Laboratory, Kuwait Cancer Control Center
Classification: Benign for Endometrial carcinoma. Last evaluated: 2025-02-01. Review status: criteria provided, single submitter. Criteria: ACMG Guidelines, 2015. Collection method: clinical testing. Allele origin: germline. Affected: no.

Blueprint Genetics
Classification: Likely benign. Last evaluated: 2024-11-15. Review status: criteria provided, single submitter. Criteria: ACMG Guidelines, 2015. Collection method: clinical testing. Allele origin: germline.

KCCC/NGS Laboratory, Kuwait Cancer Control Center
Classification: Likely benign for Colorectal cancer, hereditary nonpolyposis, type 7. Last evaluated: 2023-07-07. Review status: criteria provided, single submitter. Criteria: ACMG Guidelines, 2015. Collection method: clinical testing. Allele origin: germline. Affected: yes.

Institute for Clinical Genetics, University Hospital TU Dresden, University Hospital TU Dresden
Classification: Uncertain significance. Last evaluated: 2021-11-03. Review status: criteria provided, single submitter. Criteria: ACMG Guidelines, 2015. Collection method: clinical testing. Allele origin: germline.

Ambry Genetics
Classification: Likely benign. Last evaluated: 2020-06-25. Review status: criteria provided, single submitter. Criteria: Ambry Variant Classification Scheme 2023. Collection method: clinical testing. Allele origin: germline.

PreventionGenetics, part of Exact Sciences
Classification: Likely benign for MLH3-related condition. Last evaluated: 2020-03-18. Review status: no assertion criteria provided. Collection method: clinical testing. Allele origin: germline. Not counted in ClinVar's aggregate classification.
Comment: This variant is classified as likely benign based on ACMG/AMP sequence variant interpretation guidelines (Richards et al. 2015 PMID: 25741868, with internal and published modifications).

NM_001040108.2(MLH3):c.1637G>T (p.Arg546Ile)

Gene: MLH3 (mutL homolog 3; minus strand). Cytogenetic location: 14q24.3.
Variant type: single nucleotide variant.
Coding change: c.1637G>T on transcript NM_001040108.2 (MANE Select); coding-DNA position 1637, G replaced by T.
Protein change: p.Arg546Ile; replaces arginine 546 with isoleucine.
Molecular consequence: missense variant.
Genome position (GRCh38, 1-based): chr14:75,048,019, C>A on the plus strand (G>T on the coding strand, the complement: MLH3 is on the minus strand). VCF-style: chr14-75048019-C-A. GRCh37 (hg19) VCF-style: chr14-75514722-C-A.
Other names: c.1637G>T, p.Arg546Ile (NM_014381.3); short protein forms R546I.
Identifiers: ClinVar variation 238244 (VCV000238244.28), dbSNP rs55725216, ClinGen allele CA7275840.